The following is an entry in ClinVar:

ClinVar aggregate classification (germline): Conflicting classifications of pathogenicity. Review status: criteria provided, conflicting classifications (1 of 4 stars). 9 submissions from 9 submitters: Uncertain significance (6); Likely benign (2). 1 of the submissions does not count toward it. Last evaluated 2026-08-24.

Conditions:
VPS13B-related disorder. Also called: VPS13B-related condition.
Inborn genetic diseases. Identifiers: MedGen C0950123, MeSH D030342.
Cohen syndrome (COH1). Also called: Cutis verticis gyrata, retinitis pigmentosa, and sensorineural deafness; PEPPER SYNDROME. Identifiers: Orphanet 193, MedGen C0265223, MONDO:0008999, OMIM 216550.

Allele frequency attached by ClinVar (database versions not stated): gnomAD exomes 0.00008 and 0.00006; gnomAD 0.00014 and 0.00015; 1000 Genomes Project 0.00020; TOPMed 0.00018; 1000 Genomes Project 30x 0.00031; ExAC 0.00007; ESP Exome Variant Server 0.00023.
gnomAD v4.1: 108 of 1,614,148 alleles (0.0067%); highest among the groups gnomAD compares: African/African-American, 0.044%; no homozygotes.

Submissions (9):

PreventionGenetics, part of Exact Sciences
Classification: Uncertain significance for VPS13B-related condition. Last evaluated: 2026-08-24. Review status: criteria provided, single submitter. Criteria: ACMG Guidelines, 2015. Collection method: clinical testing. Allele origin: germline.
Comment: The VPS13B c.10612G>A variant is predicted to result in the amino acid substitution p.Gly3538Arg. To our knowledge, this variant has not been reported in the literature. This variant is reported in 0.072% of alleles in individuals of African descent in gnomAD, which may be too common to be the primary cause of disease. Although we suspect that this variant may be benign, at this time, the clinical significance of this variant is uncertain due to the absence of conclusive functional and genetic evidence.

Labcorp Genetics (formerly Invitae), Labcorp
Classification: Likely benign for Cohen syndrome. Last evaluated: 2026-01-20. Review status: criteria provided, single submitter. Criteria: Invitae Variant Classification Sherloc (09022015). Collection method: clinical testing. Allele origin: germline.

GeneDx
Classification: Uncertain significance. Last evaluated: 2023-09-28. Review status: criteria provided, single submitter. Criteria: GeneDx Variant Classification Process June 2021. Collection method: clinical testing. Allele origin: germline. Affected: yes.
Comment: In silico analysis supports that this missense variant does not alter protein structure/function; Has not been previously published as pathogenic or benign to our knowledge

Ambry Genetics
Classification: Uncertain significance for Inborn genetic diseases. Last evaluated: 2023-05-09. Review status: criteria provided, single submitter. Criteria: Ambry Variant Classification Scheme 2023. Collection method: clinical testing. Allele origin: germline.

Blueprint Genetics
Classification: Likely benign. Last evaluated: 2021-04-20. Review status: criteria provided, single submitter. Criteria: ACMG Guidelines, 2015. Collection method: clinical testing. Allele origin: germline.

Fulgent Genetics
Classification: Uncertain significance for Cohen syndrome. Last evaluated: 2018-10-31. Review status: criteria provided, single submitter. Criteria: ACMG Guidelines, 2015. Collection method: clinical testing. Allele origin: unknown.

Genetic Services Laboratory, University of Chicago
Classification: Uncertain significance. Last evaluated: 2017-01-12. Review status: criteria provided, single submitter. Criteria: ACMG Guidelines, 2015. Collection method: clinical testing. Allele origin: germline. Affected: no.

Eurofins Ntd Llc (ga)
Classification: Uncertain significance. Last evaluated: 2014-02-28. Review status: criteria provided, single submitter. Criteria: EGL Classification Definitions 2015. Collection method: clinical testing. Allele origin: germline. Observed: 1 variant allele, 1 heterozygote.

Natera, Inc.
Classification: Likely benign for Cohen syndrome. Last evaluated: 2020-06-22. Review status: no assertion criteria provided. Collection method: clinical testing. Allele origin: germline. Not counted in ClinVar's aggregate classification.

NM_152564.5(VPS13B):c.10612G>A (p.Gly3538Arg)

Gene: VPS13B (vacuolar protein sorting 13 homolog B; plus strand). Cytogenetic location: 8q22.2.
Variant type: single nucleotide variant.
Coding change: c.10612G>A on transcript NM_152564.5 (MANE Select); coding-DNA position 10612, G replaced by A.
Protein change: p.Gly3538Arg; replaces glycine 3538 with arginine.
Molecular consequence: missense variant.
Genome position (GRCh38, 1-based): chr8:99,854,001, G>A. VCF-style: chr8-99854001-G-A. GRCh37 (hg19) VCF-style: chr8-100866229-G-A.
Other names: c.10687G>A, p.Gly3563Arg (NM_017890.5); c.10612G>A (NM_152564.4); short protein forms G3538R.
Identifiers: ClinVar variation 167836 (VCV000167836.25), dbSNP rs150767461, ClinGen allele CA235244.